The following is an entry in ClinVar:

GRCh38/hg38 12q13.3-14.1(chr12:57041158-60273934)x1

Genes: AGAP2 (ArfGAP with GTPase domain, ankyrin repeat and PH domain 2; minus strand), AGAP2-AS1 (AGAP2 antisense RNA 1; plus strand), ARHGAP9 (Rho GTPase activating protein 9; minus strand), ARHGEF25 (Rho guanine nucleotide exchange factor 25; plus strand), ATP23 (ATP23 metallopeptidase and ATP synthase assembly factor homolog) and 159 more. Cytogenetic location: 12q13.3-14.1.
Variant type: copy number loss.
Change: copy number 1 (one copy instead of two) of chr12:57,041,158-60,273,934 (3.23 Mb, GRCh38 coordinates, 1-based), cytogenetic band 12q13.3-14.1.
Identifiers: ClinVar variation 59020 (VCV000059020.1).

ClinVar aggregate classification (germline): Pathogenic (1 of 4 stars; one submission).

Submission:

ISCA site 15
Classification: Pathogenic. Last evaluated: 2011-08-12. Review status: criteria provided, single submitter. Criteria: Kaminsky et al. (Genet Med. 2011). Collection method: clinical testing. Allele origin: unknown. Affected: yes. Observed: 1 variant allele.
Comment: Copy number variation identified through the course of routine clinical cytogenomic testing in postnatal populations. Clinical assertions have been curated as described in Kaminsky et al. 2011.